The following is an entry in ClinVar:

NM_015102.5(NPHP4):c.3299C>A (p.Pro1100His)

Gene: NPHP4 (nephrocystin 4; minus strand). Cytogenetic location: 1p36.31.
Variant type: single nucleotide variant.
Coding change: c.3299C>A on transcript NM_015102.5 (MANE Select); coding-DNA position 3299, C replaced by A.
Protein change: p.Pro1100His; replaces proline 1100 with histidine.
Molecular consequence: missense variant. On other transcripts: non-coding transcript variant (1).
Genome position (GRCh38, 1-based): chr1:5,873,268, G>T on the plus strand (C>A on the coding strand, the complement: NPHP4 is on the minus strand). VCF-style: chr1-5873268-G-T. GRCh37 (hg19) VCF-style: chr1-5933328-G-T.
Other names: c.1760C>A, p.Pro587His (NM_001291593.2); c.1763C>A, p.Pro588His (NM_001291594.2); short protein forms P1100H, P588H, P587H.
Identifiers: ClinVar variation 2061576 (VCV002061576.4), dbSNP rs2523057104, ClinGen allele CA338054479.
Genomic context (GRCh38, chr1:5,873,268, plus strand): 5'-CCCAGGAAGCCCCGAGATCAGTTTGTCCTCCGTTGCCCCTTTACCTTGGCGTGTTTAGTG[G>T]GCACTGCGCTGGACTTCCAAGGTGACACGGCGTCCATGCCCTTCTCGTTGCTCAACCCAG-3'
Protein context (NP_055917.1, residues 1090-1110): AVSPWKSSAV[Pro1100His]TKHAKVLFRA

ClinVar aggregate classification (germline): Uncertain significance (1 of 4 stars; one submission).

Conditions:
Nephronophthisis. Also called: Juvenile Nephronophthisis. Identifiers: Orphanet 655, MedGen C0687120, MONDO:0019005, HP:0000090.

Allele frequency attached by ClinVar (database versions not stated): gnomAD exomes below 0.00001.
gnomAD v4.1: 4 of 1,613,836 alleles (0.00025%); highest among the groups gnomAD compares: Non-Finnish European, 0.00034%; no homozygotes.

Submission:

Labcorp Genetics (formerly Invitae), Labcorp
Classification: Uncertain significance for Nephronophthisis. Last evaluated: 2021-12-26. Review status: criteria provided, single submitter. Criteria: Invitae Variant Classification Sherloc (09022015). Collection method: clinical testing. Allele origin: germline.
Comment: In summary, the available evidence is currently insufficient to determine the role of this variant in disease. Therefore, it has been classified as a Variant of Uncertain Significance. Algorithms developed to predict the effect of missense changes on protein structure and function are either unavailable or do not agree on the potential impact of this missense change (SIFT: "Tolerated"; PolyPhen-2: "Possibly Damaging"; Align-GVGD: "Class C0"). This variant has not been reported in the literature in individuals affected with NPHP4-related conditions. This variant is not present in population databases (gnomAD no frequency). This sequence change replaces proline, which is neutral and non-polar, with histidine, which is basic and polar, at codon 1100 of the NPHP4 protein (p.Pro1100His).